The following is an entry in ClinVar:

ClinVar aggregate classification (germline): Uncertain significance. Review status: criteria provided, multiple submitters, no conflicts (2 of 4 stars). 2 submissions from 2 submitters: Uncertain significance (2). Last evaluated 2025-09-01.

Conditions:
Inborn genetic diseases. Identifiers: MedGen C0950123, MeSH D030342.
Baller-Gerold syndrome (BGS). Also called: CRANIOSYNOSTOSIS WITH RADIAL DEFECTS. Identifiers: Orphanet 1225, MedGen C0265308, MONDO:0009039, OMIM 218600.

Allele frequency attached by ClinVar (database versions not stated): TOPMed 0.00001.
gnomAD v4.1: 1 of 1,330,618 alleles (0.000075%); highest among the groups gnomAD compares: Non-Finnish European, 0.000096%; no homozygotes.

Submissions (2):

Ambry Genetics
Classification: Uncertain significance for Inborn genetic diseases. Last evaluated: 2025-09-01. Review status: criteria provided, single submitter. Criteria: Ambry Variant Classification Scheme 2023. Collection method: clinical testing. Allele origin: germline.
Comment: The p.A13P variant (also known as c.37G>C), located in coding exon 1 of the RECQL4 gene, results from a G to C substitution at nucleotide position 37. The alanine at codon 13 is replaced by proline, an amino acid with highly similar properties. This amino acid position is conserved. In addition, this alteration is predicted to be tolerated by in silico analysis. Based on the available evidence, the clinical significance of this variant remains unclear.

Labcorp Genetics (formerly Invitae), Labcorp
Classification: Uncertain significance for Baller-Gerold syndrome. Last evaluated: 2022-08-09. Review status: criteria provided, single submitter. Criteria: Invitae Variant Classification Sherloc (09022015). Collection method: clinical testing. Allele origin: germline.
Comment: This sequence change replaces alanine, which is neutral and non-polar, with proline, which is neutral and non-polar, at codon 13 of the RECQL4 protein (p.Ala13Pro). This variant is not present in population databases (gnomAD no frequency). This variant has not been reported in the literature in individuals affected with RECQL4-related conditions. ClinVar contains an entry for this variant (Variation ID: 406992). Experimental studies and prediction algorithms are not available or were not evaluated, and the functional significance of this variant is currently unknown. In summary, the available evidence is currently insufficient to determine the role of this variant in disease. Therefore, it has been classified as a Variant of Uncertain Significance.

NM_004260.4(RECQL4):c.37G>C (p.Ala13Pro)

Genes: RECQL4 (RecQ like helicase 4; minus strand), LOC130001411 (ATAC-STARR-seq lymphoblastoid silent region 19699; plus strand). Cytogenetic location: 8q24.3.
Variant type: single nucleotide variant.
Coding change: c.37G>C on transcript NM_004260.4 (MANE Select); coding-DNA position 37, G replaced by C.
Protein change: p.Ala13Pro; replaces alanine 13 with proline.
Molecular consequence: missense variant.
Genome position (GRCh38, 1-based): chr8:144,517,748, C>G on the plus strand (G>C on the coding strand, the complement: RECQL4 is on the minus strand). VCF-style: chr8-144517748-C-G. GRCh37 (hg19) VCF-style: chr8-145743132-C-G.
Other names: short protein forms A13P.
Identifiers: ClinVar variation 406992 (VCV000406992.3), dbSNP rs747356389, ClinGen allele CA16612434.